The following is an entry in ClinVar:

NM_000214.3(JAG1):c.418G>A (p.Asp140Asn)

Gene: JAG1 (jagged canonical Notch ligand 1; minus strand). Cytogenetic location: 20p12.2.
Variant type: single nucleotide variant.
Coding change: c.418G>A on transcript NM_000214.3 (MANE Select); coding-DNA position 418, G replaced by A.
Protein change: p.Asp140Asn; replaces aspartic acid 140 with asparagine.
Molecular consequence: missense variant.
Genome position (GRCh38, 1-based): chr20:10,663,984, C>T on the plus strand (G>A on the coding strand, the complement: JAG1 is on the minus strand). VCF-style: chr20-10663984-C-T. GRCh37 (hg19) VCF-style: chr20-10644632-C-T.
Other names: short protein forms D140N.
Identifiers: ClinVar variation 1345181 (VCV001345181.9), dbSNP rs1456733889, ClinGen allele CA408242121.

ClinVar aggregate classification (germline): Uncertain significance. Review status: criteria provided, multiple submitters, no conflicts (2 of 4 stars). 2 submissions from 2 submitters: Uncertain significance (2). Last evaluated 2023-11-27.

Conditions:
Alagille syndrome due to a JAG1 point mutation. Also called: Alagille Syndrome 1; HEPATIC DUCTULAR HYPOPLASIA, SYNDROMATIC; JAG1-Related Alagille Syndrome. Identifiers: Orphanet 261619, Orphanet 52, MedGen C1956125, MONDO:0016862, OMIM 118450.
Tetralogy of Fallot (TOF). Identifiers: Orphanet 3303, MedGen C0039685, MONDO:0008542, OMIM 187500, HP:0001636.
Deafness, congenital heart defects, and posterior embryotoxon (DCHE). Identifiers: MedGen C1866053, MONDO:0060713, OMIM 617992.
Charcot-Marie-Tooth disease, axonal, Type 2HH. Also called: CHARCOT-MARIE-TOOTH NEUROPATHY, TYPE 2HH. Identifiers: MedGen C5562003, MONDO:0030458, OMIM 619574.

Allele frequency attached by ClinVar (database versions not stated): TOPMed below 0.00001; gnomAD 0.00001; gnomAD exomes 0.00001.

Submissions (2):

Labcorp Genetics (formerly Invitae), Labcorp
Classification: Uncertain significance for Alagille syndrome due to a JAG1 point mutation. Last evaluated: 2023-11-27. Review status: criteria provided, single submitter. Criteria: Invitae Variant Classification Sherloc (09022015). Collection method: clinical testing. Allele origin: germline.
Comment: This sequence change replaces aspartic acid, which is acidic and polar, with asparagine, which is neutral and polar, at codon 140 of the JAG1 protein (p.Asp140Asn). This variant is not present in population databases (gnomAD no frequency). This variant has not been reported in the literature in individuals affected with JAG1-related conditions. ClinVar contains an entry for this variant (Variation ID: 1345181). Advanced modeling of protein sequence and biophysical properties (such as structural, functional, and spatial information, amino acid conservation, physicochemical variation, residue mobility, and thermodynamic stability) has been performed at Invitae for this missense variant, however the output from this modeling did not meet the statistical confidence thresholds required to predict the impact of this variant on JAG1 protein function. In summary, the available evidence is currently insufficient to determine the role of this variant in disease. Therefore, it has been classified as a Variant of Uncertain Significance.

Fulgent Genetics
Classification: Uncertain significance for Alagille syndrome due to a JAG1 point mutation; Tetralogy of Fallot; Deafness, congenital heart defects, and posterior embryotoxon; Charcot-Marie-Tooth disease, axonal, Type 2HH. Last evaluated: 2022-02-10. Review status: criteria provided, single submitter. Criteria: ACMG Guidelines, 2015. Collection method: clinical testing. Allele origin: unknown.